The following is an entry in ClinVar:

NM_001009944.3(PKD1):c.2389G>T (p.Glu797Ter)

Gene: PKD1 (polycystin 1, transient receptor potential channel interacting; minus strand). Cytogenetic location: 16p13.3.
Variant type: single nucleotide variant.
Coding change: c.2389G>T on transcript NM_001009944.3 (MANE Select); coding-DNA position 2389, G replaced by T.
Protein change: p.Glu797Ter; replaces glutamic acid 797 with a stop codon.
Molecular consequence: nonsense.
Genome position (GRCh38, 1-based): chr16:2,114,634, C>A on the plus strand (G>T on the coding strand, the complement: PKD1 is on the minus strand). VCF-style: chr16-2114634-C-A. GRCh37 (hg19) VCF-style: chr16-2164635-C-A.
Other names: c.2389G>T, p.Glu797Ter (NM_000296.4); short protein forms E797*.
Identifiers: ClinVar variation 4077069 (VCV004077069.1).

ClinVar aggregate classification (germline): Pathogenic (1 of 4 stars; one submission).

Conditions:
Polycystic kidney disease, adult type (PKD1). Also called: POLYCYSTIC KIDNEY DISEASE, ADULT, TYPE I; Polycystic Kidney Disease 1, Autosomal Dominant; Polycystic kidney disease 1; Polycystic kidney disease 1, severe; POLYCYSTIC KIDNEY DISEASE 1 WITH OR WITHOUT POLYCYSTIC LIVER DISEASE; Polycystic Kidney, Autosomal Dominant. Identifiers: MedGen C3149841, MONDO:0008263, OMIM 173900.

Submission:

MVZ Medizinische Genetik Mainz
Classification: Pathogenic for Polycystic kidney disease, adult type. Last evaluated: 2025-07-16. Review status: criteria provided, single submitter. Criteria: UK Practice Guidelines For Variant Classification V4 01 2020. Collection method: clinical testing. Allele origin: germline. Inheritance: Autosomal dominant inheritance. Affected: yes. Observed: 1 variant allele.
Comment: ACMG Criteria: PVS1,PM2_SUP,PP4